The following is an entry in ClinVar:

NM_000384.3(APOB):c.12857C>G (p.Ala4286Gly)

Gene: APOB (apolipoprotein B; minus strand). Cytogenetic location: 2p24.1.
Variant type: single nucleotide variant.
Coding change: c.12857C>G on transcript NM_000384.3 (MANE Select); coding-DNA position 12857, C replaced by G.
Protein change: p.Ala4286Gly; replaces alanine 4286 with glycine.
Molecular consequence: missense variant.
Genome position (GRCh38, 1-based): chr2:21,002,565, G>C on the plus strand (C>G on the coding strand, the complement: APOB is on the minus strand). VCF-style: chr2-21002565-G-C. GRCh37 (hg19) VCF-style: chr2-21225437-G-C.
Other names: short protein forms A4286G.
Identifiers: ClinVar variation 4842883 (VCV004842883.1).

ClinVar aggregate classification (germline): Uncertain significance (1 of 4 stars; one submission).

Conditions:
Cardiovascular phenotype. Identifiers: MedGen CN230736.

Submission:

Ambry Genetics
Classification: Uncertain significance for Cardiovascular phenotype. Last evaluated: 2025-12-24. Review status: criteria provided, single submitter. Criteria: Ambry Variant Classification Scheme 2023. Collection method: clinical testing. Allele origin: germline.
Comment: The p.A4286G variant (also known as c.12857C>G), located in coding exon 29 of the APOB gene, results from a C to G substitution at nucleotide position 12857. The alanine at codon 4286 is replaced by glycine, an amino acid with similar properties. This amino acid position is conserved. In addition, this alteration is predicted to be tolerated by in silico analysis. Based on the available evidence, the clinical significance of this variant remains unclear.